The following is an entry in ClinVar:

ClinVar aggregate classification (germline): Uncertain significance (1 of 4 stars; one submission).

Submission:

Labcorp Genetics (formerly Invitae), Labcorp
Classification: Uncertain significance. Last evaluated: 2023-03-07. Review status: criteria provided, single submitter. Criteria: Invitae Variant Classification Sherloc (09022015). Collection method: clinical testing. Allele origin: germline.
Comment: This sequence change affects codon 42 of the ATP6V1A mRNA. It is a 'silent' change, meaning that it does not change the encoded amino acid sequence of the ATP6V1A protein. This variant is not present in population databases (gnomAD no frequency). This variant has not been reported in the literature in individuals affected with ATP6V1A-related conditions. Algorithms developed to predict the effect of sequence changes on RNA splicing suggest that this variant may disrupt the consensus splice site. In summary, the available evidence is currently insufficient to determine the role of this variant in disease. Therefore, it has been classified as a Variant of Uncertain Significance.

NM_001690.4(ATP6V1A):c.126G>A (p.Leu42=)

Gene: ATP6V1A (ATPase H+ transporting V1 subunit A; plus strand). Cytogenetic location: 3q13.31.
Variant type: single nucleotide variant.
Coding change: c.126G>A on transcript NM_001690.4 (MANE Select); coding-DNA position 126, G replaced by A.
Protein change: p.Leu42=; no amino-acid change (leucine 42 retained).
Molecular consequence: synonymous variant.
Genome position (GRCh38, 1-based): chr3:113,781,093, G>A. VCF-style: chr3-113781093-G-A. GRCh37 (hg19) VCF-style: chr3-113499940-G-A.
Identifiers: ClinVar variation 2959444 (VCV002959444.3), dbSNP rs2549717423, ClinGen allele CA434944783.